The following is an entry in ClinVar:

NM_000541.5(SAG):c.1047-182A>C

Gene: SAG (S-antigen visual arrestin; plus strand). Cytogenetic location: 2q37.1.
Variant type: single nucleotide variant.
Coding change: c.1047-182A>C on transcript NM_000541.5 (MANE Select); 182 bases into the intron before coding-DNA position 1047, A replaced by C.
Molecular consequence: intron variant.
Genome position (GRCh38, 1-based): chr2:233,342,089, A>C. VCF-style: chr2-233342089-A-C. GRCh37 (hg19) VCF-style: chr2-234250735-A-C.
Identifiers: ClinVar variation 3235815 (VCV003235815.1), dbSNP rs2125352387, ClinGen allele CA2701875414.
Genomic context (GRCh38, chr2:233,342,089, plus strand): 5'-TAGGAGAATTGCATGAACCCAGGAGGTGGAGGTTGCAGTGAGCCGAGATTGCGCCACTGC[A>C]CTCCAGCCTGGGCGACAGAGCGAGACTCCATCTCAAAAAAAAAAAAAAAAAGTTCCCACT-3'

ClinVar aggregate classification (germline): Uncertain significance (1 of 4 stars; one submission).

Submission:

Greenwood Genetic Center Diagnostic Laboratories, Greenwood Genetic Center
Classification: Uncertain significance. Last evaluated: 2024-03-22. Review status: criteria provided, single submitter. Criteria: ACMG Guidelines, 2015. Collection method: clinical testing. Allele origin: germline. Affected: yes.
Comment: PM2